The following is an entry in ClinVar:

ClinVar aggregate classification (germline): Uncertain significance (1 of 4 stars; one submission).

Conditions:
Saldino-Mainzer syndrome (SRTD9). Also called: Renal dysplasia, retinal pigmentary dystrophy, cerebellar ataxia and skeletal dysplasia; CONORENAL SYNDROME; SHORT-RIB THORACIC DYSPLASIA 9 WITHOUT POLYDACTYLY; short-rib thoracic dysplasia 9 with or without polydactyly. Identifiers: Orphanet 140969, MedGen C1849437, MONDO:0009964, OMIM 266920.

Allele frequency attached by ClinVar (database versions not stated): TOPMed below 0.00001.
gnomAD v4.1: 2 of 1,613,862 alleles (0.00012%); highest among the groups gnomAD compares: African/African-American, 0.0027%; no homozygotes.

Submission:

Labcorp Genetics (formerly Invitae), Labcorp
Classification: Uncertain significance for Saldino-Mainzer syndrome. Last evaluated: 2022-07-11. Review status: criteria provided, single submitter. Criteria: Invitae Variant Classification Sherloc (09022015). Collection method: clinical testing. Allele origin: germline.
Comment: This sequence change replaces glutamine, which is neutral and polar, with histidine, which is basic and polar, at codon 618 of the IFT140 protein (p.Gln618His). This variant is not present in population databases (gnomAD no frequency). This variant has not been reported in the literature in individuals affected with IFT140-related conditions. ClinVar contains an entry for this variant (Variation ID: 1513399). Algorithms developed to predict the effect of missense changes on protein structure and function output the following: SIFT: "Tolerated"; PolyPhen-2: "Benign"; Align-GVGD: "Class C0". The histidine amino acid residue is found in multiple mammalian species, which suggests that this missense change does not adversely affect protein function. In summary, the available evidence is currently insufficient to determine the role of this variant in disease. Therefore, it has been classified as a Variant of Uncertain Significance.

NM_014714.4(IFT140):c.1854A>C (p.Gln618His)

Gene: IFT140 (intraflagellar transport 140; minus strand). Cytogenetic location: 16p13.3.
Variant type: single nucleotide variant.
Coding change: c.1854A>C on transcript NM_014714.4 (MANE Select); coding-DNA position 1854, A replaced by C.
Protein change: p.Gln618His; replaces glutamine 618 with histidine.
Molecular consequence: missense variant.
Genome position (GRCh38, 1-based): chr16:1,566,208, T>G on the plus strand (A>C on the coding strand, the complement: IFT140 is on the minus strand). VCF-style: chr16-1566208-T-G. GRCh37 (hg19) VCF-style: chr16-1616209-T-G.
Other names: short protein forms Q618H.
Identifiers: ClinVar variation 1513399 (VCV001513399.6), dbSNP rs765410918, ClinGen allele CA394205970.